The following is an entry in ClinVar:

ClinVar aggregate classification (germline): Uncertain significance (1 of 4 stars; one submission).

Conditions:
Charcot-Marie-Tooth disease dominant intermediate B (CMTDIB). Also called: Charcot-Marie-Tooth disease dominant intermediate 1; CMT DI1; Charcot-Marie-Tooth disease dominant intermediate I; CHARCOT-MARIE-TOOTH NEUROPATHY, DOMINANT INTERMEDIATE B. Identifiers: Orphanet 100044, Orphanet 228179, MedGen C1847902, MONDO:0011674, OMIM 606482.

Submission:

Labcorp Genetics (formerly Invitae), Labcorp
Classification: Uncertain significance for Charcot-Marie-Tooth disease dominant intermediate B. Last evaluated: 2023-12-06. Review status: criteria provided, single submitter. Criteria: Invitae Variant Classification Sherloc (09022015). Collection method: clinical testing. Allele origin: germline.
Comment: This sequence change replaces valine, which is neutral and non-polar, with methionine, which is neutral and non-polar, at codon 145 of the DNM2 protein (p.Val145Met). This variant is not present in population databases (gnomAD no frequency). This variant has not been reported in the literature in individuals affected with DNM2-related conditions. Advanced modeling of protein sequence and biophysical properties (such as structural, functional, and spatial information, amino acid conservation, physicochemical variation, residue mobility, and thermodynamic stability) has been performed at Invitae for this missense variant, however the output from this modeling did not meet the statistical confidence thresholds required to predict the impact of this variant on DNM2 protein function. In summary, the available evidence is currently insufficient to determine the role of this variant in disease. Therefore, it has been classified as a Variant of Uncertain Significance.

NM_001005361.3(DNM2):c.433G>A (p.Val145Met)

Gene: DNM2 (dynamin 2; plus strand). Cytogenetic location: 19p13.2.
Variant type: single nucleotide variant.
Coding change: c.433G>A on transcript NM_001005361.3 (MANE Select); coding-DNA position 433, G replaced by A.
Protein change: p.Val145Met; replaces valine 145 with methionine.
Molecular consequence: missense variant.
Genome position (GRCh38, 1-based): chr19:10,775,750, G>A. VCF-style: chr19-10775750-G-A. GRCh37 (hg19) VCF-style: chr19-10886426-G-A.
Other names: c.433G>A, p.Val145Met (NM_001005360.3, NM_001005362.3, NM_001190716.2 and 1 more transcripts); short protein forms V145M.
Identifiers: ClinVar variation 2699115 (VCV002699115.3), dbSNP rs2513152915, ClinGen allele CA404042516.